The following is an entry in ClinVar:

ClinVar aggregate classification (germline): Likely pathogenic. Review status: criteria provided, multiple submitters, no conflicts (2 of 4 stars). 4 submissions from 4 submitters: Likely pathogenic (4). Last evaluated 2025-01-21.

Conditions:
Leukoencephalopathy with brain stem and spinal cord involvement-high lactate syndrome (LBSL). Also called: LEUKOENCEPHALOPATHY WITH BRAINSTEM AND SPINAL CORD INVOLVEMENT AND LACTATE ELEVATION, MILD; Leukoencephalopathy with Brainstem and Spinal Cord Involvement and Lactate Elevation; MITOCHONDRIAL ASPARTYL-tRNA SYNTHETASE DEFICIENCY. Identifiers: Orphanet 137898, MedGen C1970180, MONDO:0012622, OMIM 611105.

Allele frequency attached by ClinVar (database versions not stated): gnomAD exomes below 0.00001 and 0.00001; gnomAD 0.00001; TOPMed 0.00001; ExAC 0.00002.
gnomAD v4.1: 11 of 1,589,054 alleles (0.00069%); highest among the groups gnomAD compares: Admixed American, 0.0017%; no homozygotes.

Submissions (4):

Broad Center for Mendelian Genomics, Broad Institute of MIT and Harvard
Classification: Likely pathogenic for Leukoencephalopathy with brain stem and spinal cord involvement-high lactate syndrome. Last evaluated: 2025-01-21. Review status: criteria provided, single submitter. Criteria: ACMG Guidelines, 2015. Collection method: curation. Allele origin: germline. Inheritance: Autosomal recessive inheritance.
Comment: The c.493-1G>C variant in DARS2 has not been previously reported in the literature in individuals with leukoencephalopathy with brain stem and spinal cord involvement-high lactate syndrome, but has been identified in 0.002% (1/57408) of Admixed chromosomes by the Genome Aggregation Database (gnomAD; dbSNP rs771905691). Although this variant has been seen in the general population in a heterozygous state, its frequency is low enough to be consistent with a recessive carrier frequency. This variant has also been reported in ClinVar (Variation ID: 873471) and has been interpreted as likely pathogenic by UNC Molecular Genetics Laboratory and Laboratorio de Genetica e Diagnostico Molecular (Hospital Israelita Albert Einstein). This variant is located in the 3' splice region. SpliceAI predictions indicate use of an out-of-frame cryptic splice site 7 bases from the intron-exon boundary, providing evidence that this variant may cause a frameshift and lead to a premature termination codon downstream. This alteration is then predicted to lead to a truncated or absent protein. However this information is not predictive enough to determine pathogenicity. Loss of function of the DARS2 gene is an established disease mechanism in autosomal recessive leukoencephalopathy with brain stem and spinal cord involvement-high lactate syndrome. In summary, although additional studies are required to fully establish its clinical significance, this variant is likely pathogenic for autosomal recessive leukoencephalopathy with brain stem and spinal cord involvement-high lactate syndrome. ACMG/AMP Criteria applied: PVS1, PM2_supporting (Richards 2015).

Genome-Nilou Lab
Classification: Likely pathogenic for Leukoencephalopathy with brain stem and spinal cord involvement-high lactate syndrome. Last evaluated: 2023-04-11. Review status: criteria provided, single submitter. Criteria: ACMG Guidelines, 2015. Collection method: clinical testing. Allele origin: germline. Affected: no.

Laboratorio de Genetica e Diagnostico Molecular, Hospital Israelita Albert Einstein
Classification: Likely pathogenic. Last evaluated: 2019-06-05. Review status: criteria provided, single submitter. Criteria: ACMG Guidelines, 2015. Collection method: clinical testing. Allele origin: germline. Affected: yes.
Comment: ACMG classification criteria: PVS1, PM2

UNC Molecular Genetics  Laboratory, University of North Carolina at Chapel Hill
Classification: Likely pathogenic for Leukoencephalopathy with brain stem and spinal cord involvement-high lactate syndrome. Review status: criteria provided, single submitter. Criteria: ACMG Guidelines, 2015. Collection method: research. Allele origin: germline. Affected: no. Observed: 1 variant allele. Study: NSIGHT-NC NEXUS.
Comment: The DARS2 c.493-1G>C (p.?) variant is predicted to disrupt a splice site.

carrier finding

NM_018122.5(DARS2):c.493-1G>C

Gene: DARS2 (aspartyl-tRNA synthetase 2, mitochondrial; plus strand). Cytogenetic location: 1q25.1.
Variant type: single nucleotide variant.
Coding change: c.493-1G>C on transcript NM_018122.5 (MANE Select); the canonical splice acceptor site of the intron before coding-DNA position 493, G replaced by C.
Molecular consequence: splice acceptor variant.
Genome position (GRCh38, 1-based): chr1:173,833,375, G>C. VCF-style: chr1-173833375-G-C. GRCh37 (hg19) VCF-style: chr1-173802513-G-C.
Other names: c.493-1G>C (NM_001365212.1, NM_001365213.2).
Identifiers: ClinVar variation 873471 (VCV000873471.5), dbSNP rs771905691, ClinGen allele CA1250153.